The following is an entry in ClinVar:

NM_005732.4(RAD50):c.2354C>T (p.Ala785Val)

Gene: RAD50 (RAD50 double strand break repair protein; plus strand). Cytogenetic location: 5q31.1.
Variant type: single nucleotide variant.
Coding change: c.2354C>T on transcript NM_005732.4 (MANE Select); coding-DNA position 2354, C replaced by T.
Protein change: p.Ala785Val; replaces alanine 785 with valine.
Molecular consequence: missense variant.
Genome position (GRCh38, 1-based): chr5:132,603,446, C>T. VCF-style: chr5-132603446-C-T. GRCh37 (hg19) VCF-style: chr5-131939138-C-T.
Other names: short protein forms A785V.
Identifiers: ClinVar variation 1023781 (VCV001023781.10), dbSNP rs754508700, ClinGen allele CA3405371.

ClinVar aggregate classification (germline): Uncertain significance. Review status: criteria provided, multiple submitters, no conflicts (2 of 4 stars). 2 submissions from 2 submitters: Uncertain significance (2). Last evaluated 2026-01-05.

Conditions:
Hereditary cancer-predisposing syndrome. Also called: Hereditary Cancer Syndrome; Neoplastic Syndromes, Hereditary; Tumor predisposition; Hereditary neoplastic syndrome. Identifiers: Orphanet 140162, MedGen C0027672, MeSH D009386, MONDO:0015356.

Allele frequency attached by ClinVar (database versions not stated): gnomAD exomes below 0.00001; ExAC 0.00001.

Submissions (2):

Labcorp Genetics (formerly Invitae), Labcorp
Classification: Uncertain significance for Hereditary cancer-predisposing syndrome. Last evaluated: 2026-01-05. Review status: criteria provided, single submitter. Criteria: Invitae Variant Classification Sherloc (09022015). Collection method: clinical testing. Allele origin: germline.
Comment: This sequence change replaces alanine, which is neutral and non-polar, with valine, which is neutral and non-polar, at codon 785 of the RAD50 protein (p.Ala785Val). This variant is present in population databases (rs754508700, gnomAD 0.003%). This variant has not been reported in the literature in individuals affected with RAD50-related conditions. ClinVar contains an entry for this variant (Variation ID: 1023781). Invitae Evidence Modeling of protein sequence and biophysical properties (such as structural, functional, and spatial information, amino acid conservation, physicochemical variation, residue mobility, and thermodynamic stability) indicates that this missense variant is not expected to disrupt RAD50 protein function with a negative predictive value of 80%. In summary, the available evidence is currently insufficient to determine the role of this variant in disease. Therefore, it has been classified as a Variant of Uncertain Significance.

Ambry Genetics
Classification: Uncertain significance for Hereditary cancer-predisposing syndrome. Last evaluated: 2023-12-28. Review status: criteria provided, single submitter. Criteria: Ambry Variant Classification Scheme 2023. Collection method: clinical testing. Allele origin: germline.
Comment: The p.A785V variant (also known as c.2354C>T), located in coding exon 14 of the RAD50 gene, results from a C to T substitution at nucleotide position 2354. The alanine at codon 785 is replaced by valine, an amino acid with similar properties. This alteration was identified in an individual diagnosed with triple negative breast cancer (Laraqui A et al. J Genomics, 2021 Sep;9:43-54). This amino acid position is highly conserved in available vertebrate species. In addition, the in silico prediction for this alteration is inconclusive. Since supporting evidence is limited at this time, the clinical significance of this alteration remains unclear.

Literature cited by the submitters: PubMed 34646395 (cited by Ambry Genetics).